The following is an entry in ClinVar:

NM_017636.4(TRPM4):c.658G>A (p.Gly220Arg)

Gene: TRPM4 (transient receptor potential cation channel subfamily M member 4; plus strand). Cytogenetic location: 19q13.33.
Variant type: single nucleotide variant.
Coding change: c.658G>A on transcript NM_017636.4 (MANE Select); coding-DNA position 658, G replaced by A.
Protein change: p.Gly220Arg; replaces glycine 220 with arginine.
Molecular consequence: missense variant. On other transcripts: 5 prime UTR variant (2).
Genome position (GRCh38, 1-based): chr19:49,168,598, G>A. VCF-style: chr19-49168598-G-A. GRCh37 (hg19) VCF-style: chr19-49671855-G-A.
Other names: c.658G>A, p.Gly220Arg (NM_001195227.2); c.313G>A, p.Gly105Arg (NM_001321281.2); c.-896G>A (NM_001321282.2); c.136G>A, p.Gly46Arg (NM_001321283.2); c.-192G>A (NM_001321285.2); short protein forms G105R, G220R, G46R.
Identifiers: ClinVar variation 691738 (VCV000691738.6), dbSNP rs1161880335, ClinGen allele CA406792381.

ClinVar aggregate classification (germline): Conflicting classifications of pathogenicity. Review status: criteria provided, conflicting classifications (1 of 4 stars). 4 submissions from 4 submitters: Uncertain significance (3); Likely benign (1). Last evaluated 2026-02-09.

Conditions:
Cardiovascular phenotype. Identifiers: MedGen CN230736.
Cardiomyopathy (CMYO). Also called: Cardiomyopathies. Identifiers: Orphanet 167848, MedGen C0878544, MONDO:0004994, HP:0001638. Inheritance: Various modes of inheritance.
Progressive familial heart block type IB (PFHB1B). Identifiers: Orphanet 871, MedGen C1970298, MONDO:0011474, OMIM 604559.

Allele frequency attached by ClinVar (database versions not stated): TOPMed 0.00001; gnomAD 0.00001.
gnomAD v4.1: 13 of 1,613,626 alleles (0.00081%); highest among the groups gnomAD compares: African/African-American, 0.0053%; no homozygotes.

Submissions (4):

GeneDx
Classification: Uncertain significance. Last evaluated: 2026-02-09. Review status: criteria provided, single submitter. Criteria: GeneDx Variant Classification Process June 2021. Collection method: clinical testing. Allele origin: germline.
Comment: Has not been previously published as pathogenic or benign to our knowledge; Not observed at significant frequency in large population cohorts (gnomAD); In silico analysis supports that this missense variant has a deleterious effect on protein structure/function

Labcorp Genetics (formerly Invitae), Labcorp
Classification: Uncertain significance for Progressive familial heart block type IB. Last evaluated: 2025-04-30. Review status: criteria provided, single submitter. Criteria: Invitae Variant Classification Sherloc (09022015). Collection method: clinical testing. Allele origin: germline.
Comment: This sequence change replaces glycine, which is neutral and non-polar, with arginine, which is basic and polar, at codon 220 of the TRPM4 protein (p.Gly220Arg). This variant is present in population databases (no rsID available, gnomAD 0.006%). This variant has not been reported in the literature in individuals affected with TRPM4-related conditions. ClinVar contains an entry for this variant (Variation ID: 691738). An algorithm developed to predict the effect of missense changes on protein structure and function outputs the following: PolyPhen-2: "Benign". The arginine amino acid residue is found in multiple mammalian species, which suggests that this missense change does not adversely affect protein function. In summary, the available evidence is currently insufficient to determine the role of this variant in disease. Therefore, it has been classified as a Variant of Uncertain Significance.

Ambry Genetics
Classification: Uncertain significance for Cardiovascular phenotype. Last evaluated: 2024-06-03. Review status: criteria provided, single submitter. Criteria: Ambry Variant Classification Scheme 2023. Collection method: clinical testing. Allele origin: germline.

Center for Advanced Laboratory Medicine, UC San Diego Health, University of California San Diego
Classification: Likely benign for Cardiomyopathy. Last evaluated: 2019-05-21. Review status: criteria provided, single submitter. Criteria: ACMG Guidelines, 2015. Collection method: clinical testing. Allele origin: germline. Affected: yes. Observed: 1 variant allele.